The following is an entry in ClinVar:

ClinVar aggregate classification (germline): Likely benign. Review status: criteria provided, multiple submitters, no conflicts (2 of 4 stars). 2 submissions from 2 submitters: Likely benign (2). Last evaluated 2025-08-01.

Conditions:
Wilms tumor 1 (WT1). Also called: Wilms tumor, somatic. Identifiers: Orphanet 654, MedGen CN033288, MONDO:0008679, OMIM 194070.

Submissions (2):

CeGaT Center for Human Genetics Tuebingen
Classification: Likely benign. Last evaluated: 2025-08-01. Review status: criteria provided, single submitter. Criteria: CeGaT Center For Human Genetics Tuebingen Variant Classification Criteria Version 2. Collection method: clinical testing. Allele origin: germline. Affected: yes. Observed: 1 variant allele.
Comment: GPC3: PM2:Supporting, BP4, BP7

Labcorp Genetics (formerly Invitae), Labcorp
Classification: Likely benign for Wilms tumor 1. Last evaluated: 2023-10-29. Review status: criteria provided, single submitter. Criteria: Invitae Variant Classification Sherloc (09022015). Collection method: clinical testing. Allele origin: germline.

NM_004484.4(GPC3):c.486T>C (p.Asn162=)

Gene: GPC3 (glypican 3; minus strand). Cytogenetic location: Xq26.2.
Variant type: single nucleotide variant.
Coding change: c.486T>C on transcript NM_004484.4 (MANE Select); coding-DNA position 486, T replaced by C.
Protein change: p.Asn162=; no amino-acid change (asparagine 162 retained).
Molecular consequence: synonymous variant.
Genome position (GRCh38, 1-based): chrX:133,754,028, A>G on the plus strand (T>C on the coding strand, the complement: GPC3 is on the minus strand). VCF-style: chrX-133754028-A-G. GRCh37 (hg19) VCF-style: chrX-132888055-A-G.
Other names: c.486T>C, p.Asn162= (NM_001164617.2); c.438T>C, p.Asn146= (NM_001164618.2); c.324T>C, p.Asn108= (NM_001164619.2).
Identifiers: ClinVar variation 2103416 (VCV002103416.12), dbSNP rs2521357792, ClinGen allele CA518852797.
Genomic context (GRCh38, chrX:133,754,028, plus strand): 5'-TAGCTGGGTATAGATGACTGGAAACAGGCTGTCAAACAATTCATTGACCATGTCATCTAC[A>G]TTGATGTCAGAACCCAAGATGTAGAGAGACACATCTGTGAAAAATTCACCCACAAACTCA-3'
Protein context (NP_004475.1, residues 152-172): VSLYILGSDI[Asn162=]VDDMVNELFD